The following is an entry in ClinVar:

NM_001378457.1(DMXL2):c.1617+4T>C

Gene: DMXL2 (Dmx like 2; minus strand). Cytogenetic location: 15q21.2.
Variant type: single nucleotide variant.
Coding change: c.1617+4T>C on transcript NM_001378457.1 (MANE Select); 4 bases into the intron after coding-DNA position 1617, T replaced by C.
Molecular consequence: intron variant.
Genome position (GRCh38, 1-based): chr15:51,537,484, A>G on the plus strand (T>C on the coding strand, the complement: DMXL2 is on the minus strand). VCF-style: chr15-51537484-A-G. GRCh37 (hg19) VCF-style: chr15-51829681-A-G.
Other names: c.1617+4T>C (NM_001378460.1, NM_001174117.3, NM_015263.5 and 6 more transcripts); c.1377+4T>C (NM_001378464.1).
Identifiers: ClinVar variation 3000052 (VCV003000052.3), dbSNP rs2548610823, ClinGen allele CA2628471245.

ClinVar aggregate classification (germline): Uncertain significance (1 of 4 stars; one submission).

Allele frequency attached by ClinVar (database versions not stated): gnomAD exomes below 0.00001.

Submission:

Labcorp Genetics (formerly Invitae), Labcorp
Classification: Uncertain significance. Last evaluated: 2023-08-17. Review status: criteria provided, single submitter. Criteria: Invitae Variant Classification Sherloc (09022015). Collection method: clinical testing. Allele origin: germline.
Comment: Variants that disrupt the consensus splice site are a relatively common cause of aberrant splicing (PMID: 17576681, 9536098). Algorithms developed to predict the effect of sequence changes on RNA splicing suggest that this variant is not likely to affect RNA splicing. In summary, the available evidence is currently insufficient to determine the role of this variant in disease. Therefore, it has been classified as a Variant of Uncertain Significance. This variant has not been reported in the literature in individuals affected with DMXL2-related conditions. This variant is not present in population databases (gnomAD no frequency). This sequence change falls in intron 11 of the DMXL2 gene. It does not directly change the encoded amino acid sequence of the DMXL2 protein. It affects a nucleotide within the consensus splice site.

Literature cited by the submitters: PubMed 17576681; PubMed 9536098.